The following is an entry in ClinVar:

ClinVar aggregate classification (germline): Uncertain significance (1 of 4 stars; one submission).

Conditions:
PCNT-related disorder. Also called: PCNT-related condition.

gnomAD v4.1: 4 of 1,614,186 alleles (0.00025%); highest among the groups gnomAD compares: Non-Finnish European, 0.00034%; no homozygotes.

Submission:

PreventionGenetics, part of Exact Sciences
Classification: Uncertain significance for PCNT-related condition. Last evaluated: 2026-04-09. Review status: criteria provided, single submitter. Criteria: ACMG Guidelines, 2015. Collection method: clinical testing. Allele origin: germline.
Comment: The PCNT c.5227C>T variant is predicted to result in the amino acid substitution p.His1743Tyr. To our knowledge, this variant has not been reported in the literature or in a large population database (gnomAD), indicating this variant is rare. At this time, the clinical significance of this variant is uncertain due to the absence of conclusive functional and genetic evidence.

NM_006031.6(PCNT):c.5227C>T (p.His1743Tyr)

Gene: PCNT (pericentrin; plus strand). Cytogenetic location: 21q22.3.
Variant type: single nucleotide variant.
Coding change: c.5227C>T on transcript NM_006031.6 (MANE Select); coding-DNA position 5227, C replaced by T.
Protein change: p.His1743Tyr; replaces histidine 1743 with tyrosine.
Molecular consequence: missense variant.
Genome position (GRCh38, 1-based): chr21:46,411,300, C>T. VCF-style: chr21-46411300-C-T. GRCh37 (hg19) VCF-style: chr21-47831214-C-T.
Other names: c.4873C>T, p.His1625Tyr (NM_001315529.2); short protein forms H1625Y, H1743Y.
Identifiers: ClinVar variation 4979096 (VCV004979096.1).